The following is an entry in ClinVar:

NM_020549.5(CHAT):c.1700T>C (p.Val567Ala)

Gene: CHAT (choline O-acetyltransferase; plus strand). Cytogenetic location: 10q11.23.
Variant type: single nucleotide variant.
Coding change: c.1700T>C on transcript NM_020549.5 (MANE Select); coding-DNA position 1700, T replaced by C.
Protein change: p.Val567Ala; replaces valine 567 with alanine.
Molecular consequence: missense variant.
Genome position (GRCh38, 1-based): chr10:49,655,160, T>C. VCF-style: chr10-49655160-T-C. GRCh37 (hg19) VCF-style: chr10-50863206-T-C.
Other names: c.1346T>C, p.Val449Ala (NM_001142929.2, NM_001142934.2, NM_020984.4 and 2 more transcripts); c.1454T>C, p.Val485Ala (NM_001142933.2); short protein forms V485A, V567A, V449A.
Identifiers: ClinVar variation 855419 (VCV000855419.10), dbSNP rs1839994676, ClinGen allele CA376747580.

ClinVar aggregate classification (germline): Uncertain significance. Review status: criteria provided, multiple submitters, no conflicts (2 of 4 stars). 2 submissions from 2 submitters: Uncertain significance (2). Last evaluated 2025-08-26.

Conditions:
Inborn genetic diseases. Identifiers: MedGen C0950123, MeSH D030342.
Familial infantile myasthenia (CMS6). Also called: MYASTHENIC SYNDROME, PRESYNAPTIC, CONGENITAL, ASSOCIATED WITH EPISODIC APNEA; MYASTHENIC SYNDROME, CONGENITAL, 6, PRESYNAPTIC; Congenital myasthenic syndrome type 6. Identifiers: Orphanet 590, MedGen C0393929, MONDO:0009689, OMIM 254210.

Submissions (2):

Ambry Genetics
Classification: Uncertain significance for Inborn genetic diseases. Last evaluated: 2025-08-26. Review status: criteria provided, single submitter. Criteria: Ambry Variant Classification Scheme 2023. Collection method: clinical testing. Allele origin: germline.

Labcorp Genetics (formerly Invitae), Labcorp
Classification: Uncertain significance for Familial infantile myasthenia. Last evaluated: 2022-02-24. Review status: criteria provided, single submitter. Criteria: Invitae Variant Classification Sherloc (09022015). Collection method: clinical testing. Allele origin: germline.
Comment: This variant is not present in population databases (gnomAD no frequency). This sequence change replaces valine, which is neutral and non-polar, with alanine, which is neutral and non-polar, at codon 567 of the CHAT protein (p.Val567Ala). This variant has not been reported in the literature in individuals affected with CHAT-related conditions. In summary, the available evidence is currently insufficient to determine the role of this variant in disease. Therefore, it has been classified as a Variant of Uncertain Significance. Algorithms developed to predict the effect of missense changes on protein structure and function are either unavailable or do not agree on the potential impact of this missense change (SIFT: "Deleterious"; PolyPhen-2: "Probably Damaging"; Align-GVGD: "Class C0"). ClinVar contains an entry for this variant (Variation ID: 855419).